The following is an entry in ClinVar:

NM_025233.7(COASY):c.537C>T (p.Pro179=)

Gene: COASY (Coenzyme A synthase; plus strand). Cytogenetic location: 17q21.2.
Variant type: single nucleotide variant.
Coding change: c.537C>T on transcript NM_025233.7 (MANE Select); coding-DNA position 537, C replaced by T.
Protein change: p.Pro179=; no amino-acid change (proline 179 retained).
Molecular consequence: synonymous variant.
Genome position (GRCh38, 1-based): chr17:42,563,159, C>T. VCF-style: chr17-42563159-C-T. GRCh37 (hg19) VCF-style: chr17-40715177-C-T.
Other names: c.537C>T, p.Pro179= (NM_001042529.3); c.624C>T, p.Pro208= (NM_001042532.4).
Identifiers: ClinVar variation 2749080 (VCV002749080.4), dbSNP rs779974186, ClinGen allele CA8577998.

ClinVar aggregate classification (germline): Likely benign. Review status: criteria provided, multiple submitters, no conflicts (2 of 4 stars). 2 submissions from 2 submitters: Likely benign (2). Last evaluated 2026-07-01.

Conditions:
Neurodegeneration with brain iron accumulation 6 (NBIA6). Also called: COASY protein-associated neurodegeneration. Identifiers: Orphanet 397725, MedGen C4517377, MONDO:0014290, OMIM 615643.

Allele frequency attached by ClinVar (database versions not stated): gnomAD 0.00001; ExAC 0.00002; TOPMed 0.00002.
gnomAD v4.1: 11 of 1,613,866 alleles (0.00068%); highest among the groups gnomAD compares: Admixed American, 0.015%; no homozygotes.

Submissions (2):

CeGaT Center for Human Genetics Tuebingen
Classification: Likely benign. Last evaluated: 2026-07-01. Review status: criteria provided, single submitter. Criteria: CeGaT Center For Human Genetics Tuebingen Variant Classification Criteria Version 2. Collection method: clinical testing. Allele origin: germline. Affected: yes. Observed: 1 variant allele.
Comment: COASY: BP4, BP7

Labcorp Genetics (formerly Invitae), Labcorp
Classification: Likely benign for Neurodegeneration with brain iron accumulation 6. Last evaluated: 2025-10-01. Review status: criteria provided, single submitter. Criteria: Invitae Variant Classification Sherloc (09022015). Collection method: clinical testing. Allele origin: germline.